The following is an entry in ClinVar:

NM_000152.5(GAA):c.435A>T (p.Glu145Asp)

Gene: GAA (alpha glucosidase; plus strand). Cytogenetic location: 17q25.3.
Variant type: single nucleotide variant.
Coding change: c.435A>T on transcript NM_000152.5 (MANE Select); coding-DNA position 435, A replaced by T.
Protein change: p.Glu145Asp; replaces glutamic acid 145 with aspartic acid.
Molecular consequence: missense variant.
Genome position (GRCh38, 1-based): chr17:80,105,021, A>T. VCF-style: chr17-80105021-A-T. GRCh37 (hg19) VCF-style: chr17-78078820-A-T.
Other names: c.435A>T, p.Glu145Asp (NM_001079803.3, NM_001079804.3); short protein forms E145D.
Identifiers: ClinVar variation 892321 (VCV000892321.8), dbSNP rs765586839, ClinGen allele CA8814872.
Genomic context (GRCh38, chr17:80,105,021, plus strand): 5'-CTGGTGCTTCTTCCCACCCAGCTACCCCAGCTACAAGCTGGAGAACCTGAGCTCCTCTGA[A>T]ATGGGCTACACGGCCACCCTGACCCGTACCACCCCCACCTTCTTCCCCAAGGACATCCTG-3'
Protein context (NP_000143.2, residues 135-155): SYKLENLSSS[Glu145Asp]MGYTATLTRT

ClinVar aggregate classification (germline): Uncertain significance. Review status: criteria provided, multiple submitters, no conflicts (2 of 4 stars). 2 submissions from 2 submitters: Uncertain significance (2). Last evaluated 2021-08-31.

Conditions:
Glycogen storage disease, type II (IOPD). Also called: CARDIOMEGALIA GLYCOGENICA DIFFUSA; GLYCOGENOSIS, GENERALIZED, CARDIAC FORM; GSD II; POMPE DISEASE, INFANTILE-ONSET; GLYCOGEN STORAGE DISEASE II, INFANTILE-ONSET; ACID ALPHA-GLUCOSIDASE DEFICIENCY, INFANTILE-ONSET. Identifiers: Orphanet 365, MedGen C0017921, MONDO:0009290, OMIM 232300.

Allele frequency attached by ClinVar (database versions not stated): ExAC 0.00001; gnomAD exomes 0.00001.
gnomAD v4.1: 12 of 1,612,838 alleles (0.00074%); highest among the groups gnomAD compares: Non-Finnish European, 0.001%; no homozygotes.

Submissions (2):

Labcorp Genetics (formerly Invitae), Labcorp
Classification: Uncertain significance for Glycogen storage disease, type II. Last evaluated: 2021-08-31. Review status: criteria provided, single submitter. Criteria: Invitae Variant Classification Sherloc (09022015). Collection method: clinical testing. Allele origin: germline.
Comment: This sequence change replaces glutamic acid with aspartic acid at codon 145 of the GAA protein (p.Glu145Asp). The glutamic acid residue is moderately conserved and there is a small physicochemical difference between glutamic acid and aspartic acid. This variant is present in population databases (rs765586839, ExAC 0.002%). This variant has not been reported in the literature in individuals affected with GAA-related conditions. ClinVar contains an entry for this variant (Variation ID: 892321). Advanced modeling of protein sequence and biophysical properties (such as structural, functional, and spatial information, amino acid conservation, physicochemical variation, residue mobility, and thermodynamic stability) performed at Invitae indicates that this missense variant is not expected to disrupt GAA protein function. In summary, the available evidence is currently insufficient to determine the role of this variant in disease. Therefore, it has been classified as a Variant of Uncertain Significance.

Illumina Laboratory Services, Illumina
Classification: Uncertain significance for Glycogen storage disease, type II. Last evaluated: 2018-01-17. Review status: criteria provided, single submitter. Criteria: ICSL Variant Classification Criteria 13 December 2019. Collection method: clinical testing. Allele origin: germline.